The following is an entry in ClinVar:

ClinVar aggregate classification (germline): Benign. Review status: criteria provided, multiple submitters, no conflicts (2 of 4 stars). 2 submissions from 2 submitters: Benign (2). Last evaluated 2022-08-12.

Conditions:
Anemia, nonspherocytic hemolytic, due to G6PD deficiency (CNSHA1). Also called: Hemolytic anemia due to G6PD deficiency; ANEMIA, CONGENITAL, NONSPHEROCYTIC HEMOLYTIC, 1; Class I glucose-6-phosphate dehydrogenase deficiency; Favism, susceptibility to. Identifiers: Orphanet 466026, MedGen C2720289, MONDO:0010480, OMIM 300908.

Allele frequency attached by ClinVar (database versions not stated): 1000 Genomes Project 30x 0.57045; TOPMed 0.61855; gnomAD 0.63462 and 0.64100.

Submissions (2):

Dunham Lab, University of Washington
Classification: Benign for Anemia, nonspherocytic hemolytic, due to G6PD deficiency. Last evaluated: 2022-08-12. Review status: criteria provided, single submitter. Criteria: ACMG Guidelines, 2015. Collection method: curation. Allele origin: unknown.
Comment: Variant found at a frequency of 64.3% in gnomAD (BA1) and previously interpreted as benign (BP6).

ARUP Laboratories, Molecular Genetics and Genomics, ARUP Laboratories
Classification: Benign. Last evaluated: 2022-02-18. Review status: criteria provided, single submitter. Criteria: ARUP Molecular Germline Variant Investigation Process 2021. Collection method: clinical testing. Allele origin: germline.

NM_001360016.2(G6PD):c.1365-13C>T

Gene: G6PD (glucose-6-phosphate dehydrogenase; minus strand). Cytogenetic location: Xq28.
Variant type: single nucleotide variant.
Coding change: c.1365-13C>T on transcript NM_001360016.2 (MANE Select); 13 bases into the intron before coding-DNA position 1365, C replaced by T.
Molecular consequence: intron variant.
Genome position (GRCh38, 1-based): chrX:154,532,293, G>A on the plus strand (C>T on the coding strand, the complement: G6PD is on the minus strand). VCF-style: chrX-154532293-G-A. GRCh37 (hg19) VCF-style: chrX-153760508-A-A.
Other names: c.1455-13C>T (NM_000402.4); c.1365-13C>T (NM_001042351.3).
Identifiers: ClinVar variation 994337 (VCV000994337.13), dbSNP rs2071429, ClinGen allele CA337315951.